The following is an entry in ClinVar:

ClinVar aggregate classification (germline): Uncertain significance. Review status: criteria provided, multiple submitters, no conflicts (2 of 4 stars). 4 submissions from 4 submitters: Uncertain significance (4). Last evaluated 2026-03-26.

Conditions:
AHI1-related disorder. Also called: AHI1-related condition.
Joubert syndrome 3 (JBTS3). Also called: AHI1-related Ciliopathy. Identifiers: Orphanet 220493, MedGen C1837713, MONDO:0012078, OMIM 608629.
Joubert syndrome. Also called: Familial aplasia of the vermis; JOUBERT-BOLTSHAUSER SYNDROME. Identifiers: Orphanet 475, MedGen C5979921, MONDO:0018772.

Allele frequency attached by ClinVar (database versions not stated): ExAC 0.00002; gnomAD exomes 0.00002 and 0.00004; TOPMed 0.00002.

Submissions (6):

PreventionGenetics, part of Exact Sciences
Classification: Uncertain significance for AHI1-related condition. Last evaluated: 2026-03-26. Review status: criteria provided, single submitter. Criteria: ACMG Guidelines, 2015. Collection method: clinical testing. Allele origin: germline.
Comment: The AHI1 c.3588G>A variant is not predicted to result in an amino acid change (p.=). To our knowledge, this variant has not been reported in the literature. This variant is predicted to alter splicing based on available splicing prediction programs (SpliceAI, Jaganathan et al. 2019. PubMed ID: 30661751). However, the use of computer prediction programs is not equivalent to functional evidence. This variant is reported in 0.0045% of alleles in individuals of European (Non-Finnish) descent in gnomAD. At this time, the clinical significance of this variant is uncertain due to the absence of conclusive functional and genetic evidence.

Labcorp Genetics (formerly Invitae), Labcorp
Classification: Uncertain significance for Joubert syndrome. Last evaluated: 2025-06-29. Review status: criteria provided, single submitter. Criteria: Invitae Variant Classification Sherloc (09022015). Collection method: clinical testing. Allele origin: germline.
Comment: This sequence change affects codon 1196 of the AHI1 mRNA. It is a 'silent' change, meaning that it does not change the encoded amino acid sequence of the AHI1 protein. This variant also falls at the last nucleotide of exon 27, which is part of the consensus splice site for this exon. This variant is present in population databases (rs201791936, gnomAD 0.005%). This variant has not been reported in the literature in individuals affected with AHI1-related conditions. ClinVar contains an entry for this variant (Variation ID: 1000123). Variants that disrupt the consensus splice site are a relatively common cause of aberrant splicing (PMID: 17576681, 9536098). Algorithms developed to predict the effect of sequence changes on RNA splicing suggest that this variant may disrupt the consensus splice site. In summary, the available evidence is currently insufficient to determine the role of this variant in disease. Therefore, it has been classified as a Variant of Uncertain Significance.

Fulgent Genetics
Classification: Uncertain significance for Joubert syndrome 3. Last evaluated: 2021-12-08. Review status: criteria provided, single submitter. Criteria: ACMG Guidelines, 2015. Collection method: clinical testing. Allele origin: unknown.

Blueprint Genetics
Classification: Uncertain significance. Last evaluated: 2021-12-01. Review status: criteria provided, single submitter. Criteria: ACMG Guidelines, 2015. Collection method: clinical testing. Allele origin: germline.

Dr. Peter K. Rogan Lab, Western University
No classification provided (evidence only). Condition: Chronic lymphocytic leukemia/small lymphocytic lymphoma. Review status: no classification provided. Collection method: in vitro. Allele origin: not applicable. Functional consequence: skipped exon. Not counted in ClinVar's aggregate classification.

Dr. Peter K. Rogan Lab, Western University
No classification provided (evidence only). Condition: Chronic lymphocytic leukemia/small lymphocytic lymphoma. Review status: no classification provided. Collection method: in vitro. Allele origin: not applicable. Functional consequence: skipped exon, retained intron. Not counted in ClinVar's aggregate classification.

Literature cited by the submitters: PubMed 17576681 (cited by Labcorp Genetics (formerly Invitae), Labcorp); PubMed 9536098 (cited by Labcorp Genetics (formerly Invitae), Labcorp).

NM_001134831.2(AHI1):c.3588G>A (p.Glu1196=)

Gene: AHI1 (Abelson helper integration site 1; minus strand). Cytogenetic location: 6q23.3.
Variant type: single nucleotide variant.
Coding change: c.3588G>A on transcript NM_001134831.2 (MANE Select); coding-DNA position 3588, G replaced by A.
Protein change: p.Glu1196=; no amino-acid change (glutamic acid 1196 retained).
Molecular consequence: synonymous variant. On other transcripts: intron variant (1).
Genome position (GRCh38, 1-based): chr6:135,290,423, C>T on the plus strand (G>A on the coding strand, the complement: AHI1 is on the minus strand). VCF-style: chr6-135290423-C-T. GRCh37 (hg19) VCF-style: chr6-135611561-C-T.
Other names: c.3588G>A, p.Glu1196= (NM_001134830.2, NM_001350503.2, NM_017651.5); c.3486-4776G>A (NM_001350504.2).
Identifiers: ClinVar variation 1000123 (VCV001000123.9), dbSNP rs201791936, ClinGen allele CA4011950.